The following is an entry in ClinVar:

ClinVar aggregate classification (germline): Pathogenic/Likely pathogenic. Review status: criteria provided, multiple submitters, no conflicts (2 of 4 stars). 3 submissions from 3 submitters: Pathogenic (1); Likely pathogenic (1). 1 of the submissions does not count toward it. Last evaluated 2025-03-10.

Conditions:
Congenital lipoid adrenal hyperplasia due to STAR deficency. Also called: ADRENAL HYPERPLASIA I; Congenital Lipoid Adrenal Hyperplasia; Lipoid adrenal hyperplasia; Cholesterol monooxygenase (side-chain cleaving) deficiency. Identifiers: Orphanet 418, Orphanet 90790, MedGen C0342474, MONDO:0008725, OMIM 201710.

Allele frequency attached by ClinVar (database versions not stated): gnomAD exomes below 0.00001.

Submissions (3):

Natera, Inc.
Classification: Likely pathogenic for Congenital lipoid adrenal hyperplasia. Last evaluated: 2025-03-10. Review status: criteria provided, single submitter. Criteria: Natera Variant Classification Schema (03/2026). Collection method: clinical testing. Allele origin: germline.
Comment: The c.677del variant in STAR is a frameshift variant predicted to elongate the protein beyond the termination codon. This variant is expected to result in nonsense mediated decay, truncation, or a dysfunctional protein product. This variant is rare in the general population with a frequency below the threshold expected for the associated phenotype(s). Given the available evidence, this variant is classified as Likely Pathogenic.

Labcorp Genetics (formerly Invitae), Labcorp
Classification: Pathogenic. Last evaluated: 2021-03-07. Review status: criteria provided, single submitter. Criteria: Invitae Variant Classification Sherloc (09022015). Collection method: clinical testing. Allele origin: germline.
Comment: For these reasons, this variant has been classified as Pathogenic. This variant results in an extension of the STAR protein. Other variant(s) that result in a similarly extended protein product (p.Leu271Cysfs*50) have been determined to be pathogenic (Invitae). This suggests that these extensions are likely to be causative of disease. This variant has not been reported in the literature in individuals with STAR-related conditions. ClinVar contains an entry for this variant (Variation ID: 554752). This variant is not present in population databases (ExAC no frequency). This sequence change results in a frameshift in the STAR gene (p.Val226Glyfs*95). While this is not anticipated to result in nonsense mediated decay, it is expected to disrupt the last 60 amino acid(s) of the STAR protein and extend the protein by 34 additional amino acid residues.

Counsyl
Classification: Likely pathogenic for Congenital lipoid adrenal hyperplasia due to STAR deficency. Last evaluated: 2017-11-02. Review status: no assertion criteria provided. Collection method: clinical testing. Allele origin: unknown. Not counted in ClinVar's aggregate classification.

NM_000349.3(STAR):c.677del (p.Val226fs)

Gene: STAR (steroidogenic acute regulatory protein; minus strand). Cytogenetic location: 8p11.23.
Variant type: Deletion.
Coding change: c.677del on transcript NM_000349.3 (MANE Select); coding-DNA position 677, one base deleted (T; older notation c.677delT).
Protein change: p.Val226fs; shifts the reading frame from valine 226.
Molecular consequence: frameshift variant.
Genome position (GRCh38, 1-based): chr8:38,145,289, A deleted on the plus strand (T on the coding strand, the reverse complement: STAR is on the minus strand). VCF-style (leftmost placement, unchanged base first): chr8-38145288-CA-C. GRCh37 (hg19) VCF-style: chr8-38002806-CA-C.
Other names: c.677delT (NM_000349.2); c.677del (NM_000349.2); short protein forms V226fs.
Identifiers: ClinVar variation 554752 (VCV000554752.11), dbSNP rs1554502732, ClinGen allele CA658822462.